The following is an entry in ClinVar:

NM_004341.5(CAD):c.2576C>T (p.Pro859Leu)

Genes: CAD (carbamoyl-phosphate synthetase 2, aspartate transcarbamylase, and dihydroorotase; plus strand), LOC126806171 (BRD4-independent group 4 enhancer GRCh37_chr2:27454350-27455549; plus strand). Cytogenetic location: 2p23.3.
Variant type: single nucleotide variant.
Coding change: c.2576C>T on transcript NM_004341.5 (MANE Select); coding-DNA position 2576, C replaced by T.
Protein change: p.Pro859Leu; replaces proline 859 with leucine.
Molecular consequence: missense variant.
Genome position (GRCh38, 1-based): chr2:27,232,155, C>T. VCF-style: chr2-27232155-C-T. GRCh37 (hg19) VCF-style: chr2-27455023-C-T.
Other names: c.2387C>T, p.Pro796Leu (NM_001306079.2); short protein forms P859L, P796L.
Identifiers: ClinVar variation 779864 (VCV000779864.20), dbSNP rs144292695, ClinGen allele CA1573048.

ClinVar aggregate classification (germline): Likely benign. Review status: criteria provided, multiple submitters, no conflicts (2 of 4 stars). 5 submissions from 5 submitters: Likely benign (4). 1 of the submissions does not count toward it. Last evaluated 2026-02-03.

Conditions:
CAD-related disorder. Also called: CAD-related condition.
Developmental and epileptic encephalopathy, 50 (DEE50). Also called: Epileptic encephalopathy, early infantile, 50. Identifiers: Orphanet 448010, MedGen C4225320, MONDO:0014647, OMIM 616457.

Allele frequency attached by ClinVar (database versions not stated): gnomAD exomes 0.00011 and 0.00056; gnomAD 0.00036 and 0.00038; TOPMed 0.00037; ExAC 0.00058; 1000 Genomes Project 30x 0.00062; 1000 Genomes Project 0.00080.
gnomAD v4.1: 331 of 1,614,240 alleles (0.021%); highest among the groups gnomAD compares: East Asian, 0.35%; 9 homozygotes.

Submissions (5):

Labcorp Genetics (formerly Invitae), Labcorp
Classification: Likely benign. Last evaluated: 2026-02-03. Review status: criteria provided, single submitter. Criteria: Invitae Variant Classification Sherloc (09022015). Collection method: clinical testing. Allele origin: germline.

CeGaT Center for Human Genetics Tuebingen
Classification: Likely benign. Last evaluated: 2025-11-01. Review status: criteria provided, single submitter. Criteria: CeGaT Center For Human Genetics Tuebingen Variant Classification Criteria Version 2. Collection method: clinical testing. Allele origin: germline. Affected: yes. Observed: 1 variant allele.
Comment: CAD: BS2

Blueprint Genetics
Classification: Likely benign. Last evaluated: 2024-11-22. Review status: criteria provided, single submitter. Criteria: ACMG Guidelines, 2015. Collection method: clinical testing. Allele origin: germline.

ARUP Laboratories, Molecular Genetics and Genomics, ARUP Laboratories
Classification: Likely benign for Developmental and epileptic encephalopathy, 50. Last evaluated: 2024-11-14. Review status: criteria provided, single submitter. Criteria: ARUP Molecular Germline Variant Investigation Process 2024. Collection method: clinical testing. Allele origin: germline.

PreventionGenetics, part of Exact Sciences
Classification: Likely benign for CAD-related condition. Last evaluated: 2024-06-20. Review status: no assertion criteria provided. Collection method: clinical testing. Allele origin: germline. Not counted in ClinVar's aggregate classification.
Comment: This variant is classified as likely benign based on ACMG/AMP sequence variant interpretation guidelines (Richards et al. 2015 PMID: 25741868, with internal and published modifications).